The following is an entry in ClinVar:

ClinVar aggregate classification (germline): Conflicting classifications of pathogenicity. Review status: criteria provided, conflicting classifications (1 of 4 stars). 4 submissions from 4 submitters: Uncertain significance (3); Likely benign (1). Last evaluated 2025-09-20.

Conditions:
Cardiovascular phenotype. Identifiers: MedGen CN230736.
Arrhythmogenic right ventricular dysplasia 12. Also called: ARRHYTHMOGENIC RIGHT VENTRICULAR DYSPLASIA, FAMILIAL, 12. Identifiers: MedGen C1969081, MONDO:0012684, OMIM 611528.
Naxos disease (NXD). Also called: KERATOSIS PALMOPLANTARIS WITH ARRHYTHMOGENIC CARDIOMYOPATHY; MAL DE NAXOS; PALMOPLANTAR KERATODERMA WITH ARRHYTHMOGENIC RIGHT VENTRICULAR CARDIOMYOPATHY AND WOOLLY HAIR; WOOLLY HAIR, PALMOPLANTAR KERATODERMA, AND CARDIAC ABNORMALITIES; CARDIOMYOPATHY, ARRHYTHMOGENIC RIGHT VENTRICULAR, WITH SKIN, HAIR, AND NAIL ABNORMALITIES. Identifiers: Orphanet 34217, MedGen C1832600, MONDO:0011017, OMIM 601214.

Allele frequency attached by ClinVar (database versions not stated): gnomAD exomes 0.00001 and 0.00002; ExAC 0.00004; TOPMed 0.00005; gnomAD 0.00007; ESP Exome Variant Server 0.00008.
gnomAD v4.1: 29 of 1,610,946 alleles (0.0018%); highest among the groups gnomAD compares: African/African-American, 0.028%; no homozygotes.

Submissions (4):

Labcorp Genetics (formerly Invitae), Labcorp
Classification: Uncertain significance for Arrhythmogenic right ventricular dysplasia 12; Naxos disease. Last evaluated: 2025-09-20. Review status: criteria provided, single submitter. Criteria: Invitae Variant Classification Sherloc (09022015). Collection method: clinical testing. Allele origin: germline.
Comment: This sequence change replaces proline, which is neutral and non-polar, with leucine, which is neutral and non-polar, at codon 119 of the JUP protein (p.Pro119Leu). This variant is present in population databases (rs376123010, gnomAD 0.02%). This variant has not been reported in the literature in individuals affected with JUP-related conditions. ClinVar contains an entry for this variant (Variation ID: 163726). An algorithm developed to predict the effect of missense changes on protein structure and function (PolyPhen-2) suggests that this variant is likely to be disruptive. In summary, the available evidence is currently insufficient to determine the role of this variant in disease. Therefore, it has been classified as a Variant of Uncertain Significance.

Ambry Genetics
Classification: Likely benign for Cardiovascular phenotype. Last evaluated: 2023-04-20. Review status: criteria provided, single submitter. Criteria: Ambry Variant Classification Scheme 2023. Collection method: clinical testing. Allele origin: germline.

Clinical Genomics Laboratory, Stanford Medicine
Classification: Uncertain significance for Arrhythmogenic right ventricular dysplasia 12; Naxos disease. Last evaluated: 2023-02-21. Review status: criteria provided, single submitter. Criteria: ACMG Guidelines, 2015. Collection method: clinical testing. Allele origin: paternal. Affected: yes. Observed: 2 variant alleles, 2 heterozygotes. Clinical features observed: Arrhythmogenic cardiomyopathy.
Comment: The p.Pro119Leu variant in the JUP gene has not been previously reported in association with disease. This variant has been identified in 5/23852 African/African American chromosomes (7/272878 chromosomes overall) by the Genome Aggregation Database. This variant is present in ClinVar (Accession: VCV000163726.14). Computational tools predict that this variant is deleterious; however, the accuracy of in silico algorithms is limited. These data were assessed using the ACMG/AMP variant interpretation guidelines. In summary, the significance of the p.Pro119Leu variant is uncertain. Additional information is needed to resolve the significance of this variant. [ACMG evidence codes used: PM2; PP3]

Laboratory for Molecular Medicine, Mass General Brigham Personalized Medicine
Classification: Uncertain significance. Last evaluated: 2015-01-05. Review status: criteria provided, single submitter. Criteria: LMM Criteria. Collection method: clinical testing. Allele origin: germline. Observed: 2 variant alleles.
Comment: This variant has also been identif ied in 3/8328 African chromosomes by the Exome Aggregation Consortium (ExAC; dbSNP rs376123010). Computational prediction tools and conservation analysis suggest that the p.Pro119Leu variant may impact the pr otein, though this information is not predictive enough to determine pathogenici ty. In summary, the clinical significance of the p.Pro119Leu variant is uncertai n.

NM_002230.4(JUP):c.356C>T (p.Pro119Leu)

Gene: JUP (junction plakoglobin; minus strand). Cytogenetic location: 17q21.2.
Variant type: single nucleotide variant.
Coding change: c.356C>T on transcript NM_002230.4 (MANE Select); coding-DNA position 356, C replaced by T.
Protein change: p.Pro119Leu; replaces proline 119 with leucine.
Molecular consequence: missense variant.
Genome position (GRCh38, 1-based): chr17:41,769,530, G>A on the plus strand (C>T on the coding strand, the complement: JUP is on the minus strand). VCF-style: chr17-41769530-G-A. GRCh37 (hg19) VCF-style: chr17-39925782-G-A.
Other names: c.356C>T, p.Pro119Leu (NM_001352773.2, NM_001352774.2, NM_001352775.2 and 3 more transcripts); short protein forms P119L.
Identifiers: ClinVar variation 163726 (VCV000163726.15), dbSNP rs376123010, ClinGen allele CA176409.